The following is an entry in ClinVar:

ClinVar aggregate classification (germline): Uncertain significance (1 of 4 stars; one submission).

Conditions:
Idiopathic Pulmonary Fibrosis. Also called: Idiopathic fibrosing alveolitis, chronic form; idiopathic fibrosing alveolitis. Identifiers: Orphanet 2032, MedGen C1800706, MeSH D054990, MONDO:0800504.
Dyskeratosis congenita, autosomal dominant 2. Identifiers: MedGen C3151443, MONDO:0013521, OMIM 613989.

Allele frequency attached by ClinVar (database versions not stated): TOPMed 0.00001; gnomAD exomes below 0.00001.
gnomAD v4.1: 1 of 1,614,176 alleles (0.000062%); highest among the groups gnomAD compares: South Asian, 0.0011%; no homozygotes.

Submission:

Labcorp Genetics (formerly Invitae), Labcorp
Classification: Uncertain significance for Dyskeratosis congenita, autosomal dominant 2; Idiopathic Pulmonary Fibrosis. Last evaluated: 2025-11-06. Review status: criteria provided, single submitter. Criteria: Invitae Variant Classification Sherloc (09022015). Collection method: clinical testing. Allele origin: germline.
Comment: This sequence change replaces valine, which is neutral and non-polar, with methionine, which is neutral and non-polar, at codon 746 of the TERT protein (p.Val746Met). This variant is not present in population databases (gnomAD no frequency). This variant has not been reported in the literature in individuals affected with TERT-related conditions. ClinVar contains an entry for this variant (Variation ID: 568501). An algorithm developed to predict the effect of missense changes on protein structure and function outputs the following: PolyPhen-2: "Benign". The methionine amino acid residue is found in multiple mammalian species, which suggests that this missense change does not adversely affect protein function. In summary, the available evidence is currently insufficient to determine the role of this variant in disease. Therefore, it has been classified as a Variant of Uncertain Significance.

NM_198253.3(TERT):c.2236G>A (p.Val746Met)

Gene: TERT (telomerase reverse transcriptase; minus strand). Cytogenetic location: 5p15.33.
Variant type: single nucleotide variant.
Coding change: c.2236G>A on transcript NM_198253.3 (MANE Select); coding-DNA position 2236, G replaced by A.
Protein change: p.Val746Met; replaces valine 746 with methionine.
Molecular consequence: missense variant. On other transcripts: non-coding transcript variant (2).
Genome position (GRCh38, 1-based): chr5:1,278,691, C>T on the plus strand (G>A on the coding strand, the complement: TERT is on the minus strand). VCF-style: chr5-1278691-C-T. GRCh37 (hg19) VCF-style: chr5-1278806-C-T.
Other names: c.2236G>A, p.Val746Met (NM_001193376.3); short protein forms V746M.
Identifiers: ClinVar variation 568501 (VCV000568501.10), dbSNP rs1321220917, ClinGen allele CA359079125.